The following is an entry in ClinVar:

ClinVar aggregate classification (germline): Uncertain significance (1 of 4 stars; one submission).

Submission:

Ambry Genetics
Classification: Uncertain significance. Last evaluated: 2024-01-26. Review status: criteria provided, single submitter. Criteria: Ambry Variant Classification Scheme 2023. Collection method: clinical testing. Allele origin: germline.
Comment: The p.D303A variant (also known as c.908A>C), located in coding exon 7 of the RECQL gene, results from an A to C substitution at nucleotide position 908. The aspartic acid at codon 303 is replaced by alanine, an amino acid with dissimilar properties. This amino acid position is conserved. In addition, the in silico prediction for this alteration is inconclusive. Based on the available evidence, the clinical significance of this alteration remains unclear.

NM_002907.4(RECQL):c.908A>C (p.Asp303Ala)

Gene: RECQL (RecQ like helicase; minus strand). Cytogenetic location: 12p12.1.
Variant type: single nucleotide variant.
Coding change: c.908A>C on transcript NM_002907.4 (MANE Select); coding-DNA position 908, A replaced by C.
Protein change: p.Asp303Ala; replaces aspartic acid 303 with alanine.
Molecular consequence: missense variant.
Genome position (GRCh38, 1-based): chr12:21,476,952, T>G on the plus strand (A>C on the coding strand, the complement: RECQL is on the minus strand). VCF-style: chr12-21476952-T-G. GRCh37 (hg19) VCF-style: chr12-21629886-T-G.
Other names: c.908A>C, p.Asp303Ala (NM_032941.3); short protein forms D303A.
Identifiers: ClinVar variation 3222995 (VCV003222995.1), dbSNP rs2540352046, ClinGen allele CA384123004.